The following is an entry in ClinVar:

ClinVar aggregate classification (germline): Uncertain significance (1 of 4 stars; one submission).

Allele frequency attached by ClinVar (database versions not stated): TOPMed below 0.00001; gnomAD 0.00001.

Submission:

Labcorp Genetics (formerly Invitae), Labcorp
Classification: Uncertain significance. Last evaluated: 2024-10-24. Review status: criteria provided, single submitter. Criteria: Invitae Variant Classification Sherloc (09022015). Collection method: clinical testing. Allele origin: germline.
Comment: This sequence change replaces arginine, which is basic and polar, with cysteine, which is neutral and slightly polar, at codon 498 of the NAA35 protein (p.Arg498Cys). This variant is present in population databases (no rsID available, gnomAD 0.0009%). This variant has not been reported in the literature in individuals affected with NAA35-related conditions. An algorithm developed to predict the effect of missense changes on protein structure and function (PolyPhen-2) suggests that this variant is likely to be disruptive. Algorithms developed to predict the effect of sequence changes on RNA splicing suggest that this variant may disrupt the consensus splice site. In summary, the available evidence is currently insufficient to determine the role of this variant in disease. Therefore, it has been classified as a Variant of Uncertain Significance.

NM_024635.4(NAA35):c.1492C>T (p.Arg498Cys)

Gene: NAA35 (N-alpha-acetyltransferase 35, NatC auxiliary subunit; plus strand). Cytogenetic location: 9q21.33.
Variant type: single nucleotide variant.
Coding change: c.1492C>T on transcript NM_024635.4 (MANE Select); coding-DNA position 1492, C replaced by T.
Protein change: p.Arg498Cys; replaces arginine 498 with cysteine.
Molecular consequence: missense variant.
Genome position (GRCh38, 1-based): chr9:86,013,821, C>T. VCF-style: chr9-86013821-C-T. GRCh37 (hg19) VCF-style: chr9-88628736-C-T.
Other names: c.1492C>T, p.Arg498Cys (NM_001321881.2, NM_001321882.2); short protein forms R498C.
Identifiers: ClinVar variation 2874989 (VCV002874989.3), dbSNP rs1053906232, ClinGen allele CA195524716.